The following is an entry in ClinVar:

NM_003482.4(KMT2D):c.8218G>A (p.Ala2740Thr)

Gene: KMT2D (lysine methyltransferase 2D; minus strand). Cytogenetic location: 12q13.12.
Variant type: single nucleotide variant.
Coding change: c.8218G>A on transcript NM_003482.4 (MANE Select); coding-DNA position 8218, G replaced by A.
Protein change: p.Ala2740Thr; replaces alanine 2740 with threonine.
Molecular consequence: missense variant.
Genome position (GRCh38, 1-based): chr12:49,039,446, C>T on the plus strand (G>A on the coding strand, the complement: KMT2D is on the minus strand). VCF-style: chr12-49039446-C-T. GRCh37 (hg19) VCF-style: chr12-49433229-C-T.
Other names: short protein forms A2740T.
Identifiers: ClinVar variation 4997098 (VCV004997098.1).

ClinVar aggregate classification (germline): Uncertain significance (1 of 4 stars; one submission).

Conditions:
KMT2D-related disorder. Also called: KMT2D-Related Disorders.

Submission:

PreventionGenetics, part of Exact Sciences
Classification: Uncertain significance for KMT2D-related condition. Last evaluated: 2025-05-22. Review status: criteria provided, single submitter. Criteria: ACMG Guidelines, 2015. Collection method: clinical testing. Allele origin: germline.
Comment: The KMT2D c.8218G>A variant is predicted to result in the amino acid substitution p.Ala2740Thr. To our knowledge, this variant has not been reported in the literature or in a large population database (gnomAD), indicating this variant is rare. At this time, the clinical significance of this variant is uncertain due to the absence of conclusive functional and genetic evidence.